The following is an entry in ClinVar:

NM_001123385.2(BCOR):c.2129G>A (p.Arg710His)

Gene: BCOR (BCL6 corepressor; minus strand). Cytogenetic location: Xp11.4.
Variant type: single nucleotide variant.
Coding change: c.2129G>A on transcript NM_001123385.2 (MANE Select); coding-DNA position 2129, G replaced by A.
Protein change: p.Arg710His; replaces arginine 710 with histidine.
Molecular consequence: missense variant.
Genome position (GRCh38, 1-based): chrX:40,073,217, C>T on the plus strand (G>A on the coding strand, the complement: BCOR is on the minus strand). VCF-style: chrX-40073217-C-T. GRCh37 (hg19) VCF-style: chrX-39932470-C-T.
Other names: c.2129G>A, p.Arg710His (NM_001123383.2, NM_001123384.2, NM_017745.6); short protein forms R710H.
Identifiers: ClinVar variation 133686 (VCV000133686.27), dbSNP rs200732803, ClinGen allele CA157328.

ClinVar aggregate classification (germline): Benign/Likely benign. Review status: criteria provided, multiple submitters, no conflicts (2 of 4 stars). 4 submissions from 4 submitters: Benign (1); Likely benign (2). 1 of the submissions does not count toward it. Last evaluated 2024-08-01.

Conditions:
Oculofaciocardiodental syndrome (MCOPS2). Identifiers: Orphanet 2712, MedGen C1846265, MONDO:0010261, OMIM 300166.

Allele frequency attached by ClinVar (database versions not stated): gnomAD 0.00006 and 0.00007; TOPMed 0.00010; ExAC 0.00019; ESP Exome Variant Server 0.00019; gnomAD exomes 0.00020.

Submissions (4):

CeGaT Center for Human Genetics Tuebingen
Classification: Likely benign. Last evaluated: 2024-08-01. Review status: criteria provided, single submitter. Criteria: CeGaT Center For Human Genetics Tuebingen Variant Classification Criteria Version 2. Collection method: clinical testing. Allele origin: germline. Affected: yes. Observed: 1 variant allele.
Comment: BCOR: BS2

Labcorp Genetics (formerly Invitae), Labcorp
Classification: Benign for Oculofaciocardiodental syndrome. Last evaluated: 2022-12-19. Review status: criteria provided, single submitter. Criteria: Invitae Variant Classification Sherloc (09022015). Collection method: clinical testing. Allele origin: germline.

Blueprint Genetics
Classification: Likely benign. Last evaluated: 2018-01-15. Review status: criteria provided, single submitter. Criteria: ACMG Guidelines, 2015. Collection method: clinical testing. Allele origin: germline.

ITMI
No classification provided. Condition: AllHighlyPenetrant. Last evaluated: 2013-09-19. Review status: no classification provided. Collection method: reference population. Allele origin: germline. Not counted in ClinVar's aggregate classification.
Comment: Please see associated publication for description of ethnicities

Literature cited by the submitters: PubMed 24728327 (cited by ITMI).